The following is an entry in ClinVar:

NM_000548.5(TSC2):c.5348A>G (p.Glu1783Gly)

Gene: TSC2 (TSC complex subunit 2; plus strand). Cytogenetic location: 16p13.3.
Variant type: single nucleotide variant.
Coding change: c.5348A>G on transcript NM_000548.5 (MANE Select); coding-DNA position 5348, A replaced by G.
Protein change: p.Glu1783Gly; replaces glutamic acid 1783 with glycine.
Molecular consequence: missense variant.
Genome position (GRCh38, 1-based): chr16:2,088,534, A>G. VCF-style: chr16-2088534-A-G. GRCh37 (hg19) VCF-style: chr16-2138535-A-G.
Other names: c.5147A>G, p.Glu1716Gly (NM_001077183.3); c.5279A>G, p.Glu1760Gly (NM_001114382.3); c.5039A>G, p.Glu1680Gly (NM_001318827.2); c.5003A>G, p.Glu1668Gly (NM_001318829.2); c.4616A>G, p.Glu1539Gly (NM_001318831.2); c.5180A>G, p.Glu1727Gly (NM_001318832.2); c.5150A>G, p.Glu1717Gly (NM_001363528.2); c.5216A>G, p.Glu1739Gly (NM_001370404.1); and 2 more; short protein forms E1783G, E1740G, E1760G, E1668G, E1716G, E1727G, E1736G, E1539G.
Identifiers: ClinVar variation 468163 (VCV000468163.11), dbSNP rs1555441444, ClinGen allele CA394315724.

ClinVar aggregate classification (germline): Uncertain significance. Review status: criteria provided, multiple submitters, no conflicts (2 of 4 stars). 2 submissions from 2 submitters: Uncertain significance (2). Last evaluated 2025-09-07.

Conditions:
Hereditary cancer-predisposing syndrome. Also called: Hereditary neoplastic syndrome; Neoplastic Syndromes, Hereditary; Tumor predisposition; Hereditary Cancer Syndrome. Identifiers: Orphanet 140162, MedGen C0027672, MeSH D009386, MONDO:0015356.
Tuberous sclerosis 2 (TSC2). Identifiers: Orphanet 805, MedGen C1860707, MONDO:0013199, OMIM 613254.

Submissions (2):

Labcorp Genetics (formerly Invitae), Labcorp
Classification: Uncertain significance for Tuberous sclerosis 2. Last evaluated: 2025-09-07. Review status: criteria provided, single submitter. Criteria: Invitae Variant Classification Sherloc (09022015). Collection method: clinical testing. Allele origin: germline.
Comment: This sequence change replaces glutamic acid, which is acidic and polar, with glycine, which is neutral and non-polar, at codon 1783 of the TSC2 protein (p.Glu1783Gly). This variant is not present in population databases (gnomAD no frequency). This variant has not been reported in the literature in individuals affected with TSC2-related conditions. ClinVar contains an entry for this variant (Variation ID: 468163). Invitae Evidence Modeling of protein sequence and biophysical properties (such as structural, functional, and spatial information, amino acid conservation, physicochemical variation, residue mobility, and thermodynamic stability) indicates that this missense variant is not expected to disrupt TSC2 protein function with a negative predictive value of 95%. In summary, the available evidence is currently insufficient to determine the role of this variant in disease. Therefore, it has been classified as a Variant of Uncertain Significance.

Ambry Genetics
Classification: Uncertain significance for Hereditary cancer-predisposing syndrome. Last evaluated: 2025-06-08. Review status: criteria provided, single submitter. Criteria: Ambry Variant Classification Scheme 2023. Collection method: clinical testing. Allele origin: germline.
Comment: The p.E1783G variant (also known as c.5348A>G), located in coding exon 41 of the TSC2 gene, results from an A to G substitution at nucleotide position 5348. The glutamic acid at codon 1783 is replaced by glycine, an amino acid with similar properties. This amino acid position is conserved. In addition, the in silico prediction for this alteration is inconclusive. Since supporting evidence is limited at this time, the clinical significance of this alteration remains unclear.